The following is an entry in ClinVar:

NM_001371246.1(SCN2A):c.634A>G (p.Asn212Asp)

Gene: SCN2A (sodium voltage-gated channel alpha subunit 2; plus strand). Cytogenetic location: 2q24.3.
Variant type: single nucleotide variant.
Coding change: c.634A>G on transcript NM_001371246.1 (MANE Plus Clinical); coding-DNA position 634, A replaced by G.
Protein change: p.Asn212Asp; replaces asparagine 212 with aspartic acid.
Molecular consequence: missense variant. On other transcripts: intron variant (3).
Genome position (GRCh38, 1-based): chr2:165,309,193, A>G. VCF-style: chr2-165309193-A-G. GRCh37 (hg19) VCF-style: chr2-166165703-A-G.
Other names: c.634A>G, p.Asn212Asp (NM_001040143.2); c.606-159A>G (NM_001040142.2, NM_001371247.1, NM_021007.3); short protein forms N212D.
Identifiers: ClinVar variation 488391 (VCV000488391.5), dbSNP rs1553567473, ClinGen allele CA349016966.
Genomic context (GRCh38, chr2:165,309,193, plus strand): 5'-AAATTCTGAATAACTCTGATTTAATTCTACAGGTATGTAACAGAATTTGTAAACCTAGGC[A>G]ATGTTTCAGCTCTTCGAACTTTCAGAGTCTTGAGAGCTTTGAAAACTATTTCTGTAATTC-3'
Protein context (NP_001358175.1, residues 202-222): AYVTEFVNLG[Asn212Asp]VSALRTFRVL

ClinVar aggregate classification (germline): Pathogenic. Review status: criteria provided, multiple submitters, no conflicts (2 of 4 stars). 3 submissions from 3 submitters: Pathogenic (3). Last evaluated 2024-06-06.

Conditions:
Developmental and epileptic encephalopathy, 11 (DEE11). Also called: Early infantile epileptic encephalopathy 11. Identifiers: Orphanet 1934, MedGen C3150987, MONDO:0013388, OMIM 613721.

Submissions (3):

3billion
Classification: Pathogenic for Developmental and epileptic encephalopathy, 11. Last evaluated: 2024-06-06. Review status: criteria provided, single submitter. Criteria: ACMG Guidelines, 2015. Collection method: clinical testing. Allele origin: germline. Affected: yes.
Comment: The variant is not observed in the gnomAD v4.0.0 dataset. Predicted Consequence/Location: Missense variant In silico tool predictions suggest damaging effect of the variant on gene or gene product [REVEL: 0.88 (>=0.6, sensitivity 0.68 and specificity 0.92); 3Cnet: 0.96 (>=0.6, sensitivity 0.72 and precision 0.9)]. The same nucleotide change resulting in the same amino acid change has been previously reported as pathogenic/likely pathogenic with strong evidence (ClinVar ID: VCV000488391). Therefore, this variant is classified as Pathogenic according to the recommendation of ACMG/AMP guideline.

Victorian Clinical Genetics Services, Murdoch Childrens Research Institute
Classification: Pathogenic for Developmental and epileptic encephalopathy, 11. Last evaluated: 2023-07-16. Review status: criteria provided, single submitter. Criteria: ACMG Guidelines, 2015. Collection method: clinical testing. Allele origin: germline. Inheritance: Autosomal dominant inheritance. Affected: yes.
Comment: Based on the classification scheme VCGS_Germline_v1.3.4, this variant is classified as Pathogenic. Following criteria are met: 0103 - Loss of function and gain of function are known mechanisms of disease in this gene. Variants causing a gain of function result in developmental and epileptic encephalopathy 11 (MIM#613721) or benign familial infantile seizures 3 (MIM#607745), whereas variants causing loss of function result in autism spectrum disorder and/or intellectual disability, with or without childhood-onset seizures (OMIM, PMIDs: 29691040, 31904126). 0107 - This gene is associated with autosomal dominant disease. (I) 0200 - Variant is predicted to result in a missense amino acid change from asparagine to aspartic acid. (I) 0219 - This variant is non-coding in an alternative transcript. However, it is coding in the neonatal isoform, which gradually gets replaced by the adult isoform post-development (PMID: 23935176). (I) 0251 - This variant is heterozygous. (I) 0301 - Variant is absent from gnomAD (both v2 and v3). (SP) 0309 - An alternative amino acid change at the same position has been observed in gnomAD (v2) (1 heterozygote, 0 homozygotes). (I) 0501 - Missense variant consistently predicted to be damaging by multiple in silico tools or highly conserved with a major amino acid change. (SP) 0600 - Variant is located in the annotated ion transport protein (NCBI). (I) 0801 - This variant has strong previous evidence of pathogenicity in unrelated individuals. It has been regarded as pathogenic in ClinVar and was reported as de novo in at least two unrelated cases with early-infantile severe epilepsy (ClinVar, PMID: 23935176). (SP) Legend: (SP) - Supporting pathogenic, (I) - Information, (SB) - Supporting benign

Equipe Genetique des Anomalies du Developpement, Université de Bourgogne
Classification: Pathogenic for Developmental and epileptic encephalopathy, 11. Last evaluated: 2018-08-28. Review status: criteria provided, single submitter. Criteria: ACMG Guidelines, 2015. Collection method: clinical testing. Allele origin: de novo. Affected: yes.

Literature cited by the submitters: PubMed 23935176 (cited by Victorian Clinical Genetics Services, Murdoch Childrens Research Institute); PubMed 29691040 (cited by Victorian Clinical Genetics Services, Murdoch Childrens Research Institute); PubMed 31904126 (cited by Victorian Clinical Genetics Services, Murdoch Childrens Research Institute).